The following is an entry in ClinVar:

ClinVar aggregate classification (germline): Uncertain significance (1 of 4 stars; one submission).

Conditions:
Familial adenomatous polyposis 1 (FAP1). Also called: FAMILIAL ADENOMATOUS POLYPOSIS 1, ATTENUATED; POLYPOSIS, ADENOMATOUS INTESTINAL. Identifiers: MedGen C2713442, MONDO:0021056, OMIM 175100. Disease mechanism: loss of function.

Submission:

Labcorp Genetics (formerly Invitae), Labcorp
Classification: Uncertain significance for Familial adenomatous polyposis 1. Last evaluated: 2025-05-28. Review status: criteria provided, single submitter. Criteria: Invitae Variant Classification Sherloc (09022015). Collection method: clinical testing. Allele origin: germline.
Comment: This sequence change replaces aspartic acid, which is acidic and polar, with tyrosine, which is neutral and polar, at codon 1688 of the APC protein (p.Asp1688Tyr). This variant is not present in population databases (gnomAD no frequency). This variant has not been reported in the literature in individuals affected with APC-related conditions. Invitae Evidence Modeling of protein sequence and biophysical properties (such as structural, functional, and spatial information, amino acid conservation, physicochemical variation, residue mobility, and thermodynamic stability) indicates that this missense variant is not expected to disrupt APC protein function with a negative predictive value of 95%. In summary, the available evidence is currently insufficient to determine the role of this variant in disease. Therefore, it has been classified as a Variant of Uncertain Significance.

NM_000038.6(APC):c.5062G>T (p.Asp1688Tyr)

Gene: APC (APC regulator of Wnt signaling pathway; plus strand). Cytogenetic location: 5q22.2.
Variant type: single nucleotide variant.
Coding change: c.5062G>T on transcript NM_000038.6 (MANE Select); coding-DNA position 5062, G replaced by T.
Protein change: p.Asp1688Tyr; replaces aspartic acid 1688 with tyrosine.
Molecular consequence: missense variant. On other transcripts: non-coding transcript variant (2).
Genome position (GRCh38, 1-based): chr5:112,840,656, G>T. VCF-style: chr5-112840656-G-T. GRCh37 (hg19) VCF-style: chr5-112176353-G-T.
Other names: c.5062G>T, p.Asp1688Tyr (NM_001127510.3, NM_001354895.2, NM_001407450.1); c.5008G>T, p.Asp1670Tyr (NM_001127511.3); c.5116G>T, p.Asp1706Tyr (NM_001354896.2, NM_001407447.1, NM_001407448.1 and 1 more transcripts); c.5092G>T, p.Asp1698Tyr (NM_001354897.2); c.4987G>T, p.Asp1663Tyr (NM_001354898.2); c.4978G>T, p.Asp1660Tyr (NM_001354899.2); c.4939G>T, p.Asp1647Tyr (NM_001354900.2); c.4885G>T, p.Asp1629Tyr (NM_001354901.2, NM_001407453.1); and 11 more; short protein forms D1304Y, D1405Y, D1528Y, D1559Y, D1562Y, D1587Y, D1597Y, D1605Y.
Identifiers: ClinVar variation 4801491 (VCV004801491.1).